The following is an entry in ClinVar:

ClinVar aggregate classification (germline): Uncertain significance (1 of 4 stars; one submission).

Allele frequency attached by ClinVar (database versions not stated): TOPMed 0.00003.
gnomAD v4.1: 11 of 1,613,006 alleles (0.00068%); highest among the groups gnomAD compares: African/African-American, 0.0067%; no homozygotes.

Submission:

Labcorp Genetics (formerly Invitae), Labcorp
Classification: Uncertain significance. Last evaluated: 2022-08-16. Review status: criteria provided, single submitter. Criteria: Invitae Variant Classification Sherloc (09022015). Collection method: clinical testing. Allele origin: germline.
Comment: This sequence change replaces arginine, which is basic and polar, with serine, which is neutral and polar, at codon 42 of the SLC25A12 protein (p.Arg42Ser). This variant is present in population databases (rs150674046, gnomAD 0.004%). This variant has not been reported in the literature in individuals affected with SLC25A12-related conditions. ClinVar contains an entry for this variant (Variation ID: 1015404). Algorithms developed to predict the effect of missense changes on protein structure and function (SIFT, PolyPhen-2, Align-GVGD) all suggest that this variant is likely to be tolerated. In summary, the available evidence is currently insufficient to determine the role of this variant in disease. Therefore, it has been classified as a Variant of Uncertain Significance.

NM_003705.5(SLC25A12):c.124C>A (p.Arg42Ser)

Gene: SLC25A12 (solute carrier family 25 member 12; minus strand). Cytogenetic location: 2q31.1.
Variant type: single nucleotide variant.
Coding change: c.124C>A on transcript NM_003705.5 (MANE Select); coding-DNA position 124, C replaced by A.
Protein change: p.Arg42Ser; replaces arginine 42 with serine.
Molecular consequence: missense variant. On other transcripts: non-coding transcript variant (1).
Genome position (GRCh38, 1-based): chr2:171,868,766, G>T on the plus strand (C>A on the coding strand, the complement: SLC25A12 is on the minus strand). VCF-style: chr2-171868766-G-T. GRCh37 (hg19) VCF-style: chr2-172725276-G-T.
Other names: short protein forms R42S.
Identifiers: ClinVar variation 1015404 (VCV001015404.6), dbSNP rs150674046, ClinGen allele CA1966471.